The following is an entry in ClinVar:

NM_001365276.2(TNXB):c.9782T>C (p.Val3261Ala)

Gene: TNXB (tenascin XB; minus strand). Cytogenetic location: 6p21.33.
Variant type: single nucleotide variant.
Coding change: c.9782T>C on transcript NM_001365276.2 (MANE Select); coding-DNA position 9782, T replaced by C.
Protein change: p.Val3261Ala; replaces valine 3261 with alanine.
Molecular consequence: missense variant.
Genome position (GRCh38, 1-based): chr6:32,048,626, A>G on the plus strand (T>C on the coding strand, the complement: TNXB is on the minus strand). VCF-style: chr6-32048626-A-G. GRCh37 (hg19) VCF-style: chr6-32016403-A-G.
Other names: c.9776T>C, p.Val3259Ala (NM_019105.8); short protein forms V3259A, V3261A.
Identifiers: ClinVar variation 2451200 (VCV002451200.2), dbSNP rs1463606727, ClinGen allele CA363537105.
Genomic context (GRCh38, chr6:32,048,626, plus strand): 5'-GAGAGGCCCACTGAGTCCGAGGTCACGGCCGCCACCGCCAGCTCCCCCAGGCGGGGCTCC[A>G]CCGGCAGTGGTGTGGGCAGGGGCGCTGAAAAGAGCAGAGCAGGCCCATGGGTCAGGAGGC-3'
Protein context (NP_001352205.1, residues 3251-3271): ITAPLPTPLP[Val3261Ala]EPRLGELAVA

ClinVar aggregate classification (germline): Uncertain significance (1 of 4 stars; one submission).

Conditions:
Cardiovascular phenotype. Identifiers: MedGen CN230736.

Allele frequency attached by ClinVar (database versions not stated): TOPMed below 0.00001; gnomAD 0.00001.

Submission:

Ambry Genetics
Classification: Uncertain significance for Cardiovascular phenotype. Last evaluated: 2023-03-07. Review status: criteria provided, single submitter. Criteria: Ambry Variant Classification Scheme 2023. Collection method: clinical testing. Allele origin: germline.
Comment: The p.V3259A variant (also known as c.9776T>C), located in coding exon 28 of the TNXB gene, results from a T to C substitution at nucleotide position 9776. The valine at codon 3259 is replaced by alanine, an amino acid with similar properties. This amino acid position is conserved. In addition, this alteration is predicted to be tolerated by in silico analysis. Since supporting evidence is limited at this time, the clinical significance of this alteration remains unclear.